The following is an entry in ClinVar:

NM_001360.3(DHCR7):c.976G>T (p.Val326Leu)

Gene: DHCR7 (7-dehydrocholesterol reductase; minus strand). Cytogenetic location: 11q13.4.
Variant type: single nucleotide variant.
Coding change: c.976G>T on transcript NM_001360.3 (MANE Select); coding-DNA position 976, G replaced by T.
Protein change: p.Val326Leu; replaces valine 326 with leucine.
Molecular consequence: missense variant.
Genome position (GRCh38, 1-based): chr11:71,435,827, C>A on the plus strand (G>T on the coding strand, the complement: DHCR7 is on the minus strand). VCF-style: chr11-71435827-C-A. GRCh37 (hg19) VCF-style: chr11-71146873-C-A.
Other names: c.976G>T, p.Val326Leu (NM_001163817.2); short protein forms V326L.
Identifiers: ClinVar variation 6785 (VCV000006785.38), dbSNP rs80338859, ClinGen allele CA340609.

ClinVar aggregate classification (germline): Pathogenic/Likely pathogenic. Review status: criteria provided, multiple submitters, no conflicts (2 of 4 stars). 15 submissions from 15 submitters: Pathogenic (11); Likely pathogenic (1). 3 of the submissions do not count toward it. Last evaluated 2026-02-11.

Conditions:
DHCR7-related disorder. Also called: DHCR7-related condition.
Smith-Lemli-Opitz syndrome (SLOS). Also called: POLYDACTYLY, SEX REVERSAL, RENAL HYPOPLASIA, AND UNILOBAR LUNG; RSH SYNDROME; RUTLEDGE LETHAL MULTIPLE CONGENITAL ANOMALY SYNDROME; LETHAL ACRODYSGENITAL SYNDROME; 7-Dehydrocholesterol reductase deficiency. Identifiers: Orphanet 818, MedGen C0175694, MONDO:0010035, OMIM 270400.

Allele frequency attached by ClinVar (database versions not stated): gnomAD exomes 0.00003 and 0.00002; ExAC 0.00005; gnomAD 0.00005; TOPMed 0.00005.
gnomAD v4.1: 42 of 1,603,172 alleles (0.0026%); highest among the groups gnomAD compares: Non-Finnish European, 0.0033%; no homozygotes.

Submissions (15):

Victorian Clinical Genetics Services, Murdoch Childrens Research Institute
Classification: Pathogenic for Smith-Lemli-Opitz syndrome. Last evaluated: 2026-02-11. Review status: criteria provided, single submitter. Criteria: ACMG Guidelines, 2015. Collection method: clinical testing. Allele origin: germline. Affected: no.
Comment: This variant is classified as Pathogenic. Evidence in support of pathogenic classification: Variant is present in gnomAD <0.01 for a recessive condition (v4: 42 heterozygote(s), 0 homozygote(s)); This variant has strong previous evidence of pathogenicity in unrelated individuals. It has been classified as pathogenic and likely pathogenic by multiple clinical laboratories (ClinVar) and has been reported in compound heterozygous individuals with Smith-Lemli-Opitz syndrome (PMID: 9653161); Missense variant predicted to be damaging by in silico tool(s) or highly conserved with a major amino acid change. Additional information: Variant is predicted to result in a missense amino acid change from Val to Leu; This variant is heterozygous; This gene is associated with autosomal recessive disease; Alternative amino acid change(s) at the same position are present in gnomAD (highest allele count: v4: 1 heterozygote(s), 0 homozygote(s)); Variant is located in the annotated ergosterol biosynthesis ERG4/ERG24 family domain (DECIPHER); Loss of function is a known mechanism of disease in this gene and is associated with Smith-Lemli-Opitz syndrome (MIM#270400); Variants in this gene are known to have variable expressivity. Exceptionally mild and severe cases have been reported, with intra and interfamilial variable expressivity (PMID: 35305950).

Labcorp Genetics (formerly Invitae), Labcorp
Classification: Pathogenic for Smith-Lemli-Opitz syndrome. Last evaluated: 2026-01-16. Review status: criteria provided, single submitter. Criteria: Invitae Variant Classification Sherloc (09022015). Collection method: clinical testing. Allele origin: germline.
Comment: This sequence change replaces valine, which is neutral and non-polar, with leucine, which is neutral and non-polar, at codon 326 of the DHCR7 protein (p.Val326Leu). This variant is present in population databases (rs80338859, gnomAD 0.005%). This missense change has been observed in individual(s) with Smith–Lemli–Opitz syndrome (PMID: 9653161, 15521979, 27513191). In at least one individual the data is consistent with being in trans (on the opposite chromosome) from a pathogenic variant. ClinVar contains an entry for this variant (Variation ID: 6785). Invitae Evidence Modeling of protein sequence and biophysical properties (such as structural, functional, and spatial information, amino acid conservation, physicochemical variation, residue mobility, and thermodynamic stability) has been performed for this missense variant. However, the output from this modeling did not meet the statistical confidence thresholds required to predict the impact of this variant on DHCR7 protein function. Studies have shown that this missense change alters DHCR7 gene expression (PMID: 9653161). For these reasons, this variant has been classified as Pathogenic.

Natera, Inc.
Classification: Pathogenic for Smith-Lemli-Opitz syndrome. Last evaluated: 2025-11-17. Review status: criteria provided, single submitter. Criteria: Natera Variant Classification Schema (03/2026). Collection method: clinical testing. Allele origin: germline.
Comment: The c.976G>T variant in DHCR7 is a missense variant predicted to cause substitution of valine to leucine at amino acid 326. This variant is rare in the general population with a frequency below the threshold expected for the associated phenotype(s). This variant has been observed in one or more individuals affected with the associated recessive disease, as either homozygous or compound heterozygous with a second variant (PMID: 19390132). Given the available evidence, this variant is classified as Pathogenic.

Revvity Omics, Revvity
Classification: Pathogenic for Smith-Lemli-Opitz syndrome. Last evaluated: 2024-11-21. Review status: criteria provided, single submitter. Criteria: ACMG Guidelines, 2015. Collection method: clinical testing. Allele origin: germline.

Blueprint Genetics
Classification: Pathogenic for DHCR7-related disorders. Last evaluated: 2024-11-19. Review status: criteria provided, single submitter. Criteria: ACMG Guidelines, 2015. Collection method: clinical testing. Allele origin: germline. Affected: yes. Observed: 5 variant alleles.

Laboratory of Medical Genetics, National & Kapodistrian University of Athens
Classification: Pathogenic for Smith-Lemli-Opitz syndrome. Last evaluated: 2024-02-01. Review status: criteria provided, single submitter. Criteria: ACMG Guidelines, 2015. Collection method: curation. Allele origin: germline. Affected: no.

Institute of Human Genetics Munich, TUM University Hospital
Classification: Pathogenic for Smith-Lemli-Opitz syndrome. Last evaluated: 2024-01-23. Review status: criteria provided, single submitter. Criteria: Classification criteria August 2017. Collection method: clinical testing. Allele origin: inherited. Inheritance: Autosomal recessive inheritance. Affected: yes. Observed: 1 variant allele.

GeneDx
Classification: Pathogenic. Last evaluated: 2023-04-06. Review status: criteria provided, single submitter. Criteria: GeneDx Variant Classification Process June 2021. Collection method: clinical testing. Allele origin: germline. Affected: yes.
Comment: Published functional studies demonstrate a damaging effect as the DHCR7 protein expression was significantly reduced in cells expressing the V326L variant compared to wildype, suggesting the variant impairs protein stability due to misfolding or defective transports (Fitzky et al., 1998); Not observed at a significant frequency in large population cohorts (gnomAD); In silico analysis supports that this missense variant does not alter protein structure/function; In silico analysis suggests this variant may impact gene splicing. In the absence of RNA/functional studies, the actual effect of this sequence change is unknown.; This variant is associated with the following publications: (PMID: 9653161, 22975760, 26887953, 11175299, 32257592, 34426522, 31589614, 34308104, 31840946, 33836803, 33890232)

Greenwood Genetic Center Diagnostic Laboratories, Greenwood Genetic Center
Classification: Likely pathogenic for Smith-Lemli-Opitz syndrome. Last evaluated: 2021-08-09. Review status: criteria provided, single submitter. Criteria: ACMG Guidelines, 2015. Collection method: clinical testing. Allele origin: germline. Affected: yes.
Comment: PS3, PM2, PM3

Myriad Genetics, Inc.
Classification: Pathogenic for Smith-Lemli-Opitz syndrome. Last evaluated: 2019-12-20. Review status: criteria provided, single submitter. Criteria: Myriad Women's Health Autosomal Recessive and X-Linked Classification Criteria (2019). Collection method: clinical testing. Allele origin: unknown.
Comment: NM_001360.2(DHCR7):c.976G>T(V326L) is classified as pathogenic in the context of Smith-Lemli-Opitz syndrome and is associated with moderate or mild forms of the disease. Sources cited for classification include the following: PMID 15521979. Classification of NM_001360.2(DHCR7):c.976G>T(V326L) is based on the following criteria: This is a well-established pathogenic variant in the literature that has been observed more frequently in patients with clinical diagnoses than in healthy populations. Please note: this variant was assessed in the context of healthy population screening.

Fulgent Genetics
Classification: Pathogenic for Smith-Lemli-Opitz syndrome. Last evaluated: 2018-10-31. Review status: criteria provided, single submitter. Criteria: ACMG Guidelines, 2015. Collection method: clinical testing. Allele origin: unknown.

Women's Health and Genetics/Laboratory Corporation of America, LabCorp
Classification: Pathogenic for Smith-Lemli-Opitz syndrome. Last evaluated: 2017-05-22. Review status: criteria provided, single submitter. Criteria: LabCorp Variant Classification Summary - May 2015. Collection method: clinical testing. Allele origin: germline.
Comment: Variant summary: The DHCR7 c.976G>T (p.Val326Leu) variant involves the alteration of a conserved nucleotide and 3/4 in silico tools (SNPsandGO not captured due to low reliability index) predict a benign outcome. This variant was found in 5/104104 control chromosomes at a frequency of 0.000048, which does not exceed the estimated maximal expected allele frequency of a pathogenic DHCR7 variant (0.0043301). Multiple publications have cited the variant in homozygous and compound heterozygous affected individuals. Authors have also indicated the variant to be a common mutation (Ciara_2004). In addition, multiple clinical diagnostic laboratories/reputable databases classified this variant as pathogenic. Taken together, this variant is classified as pathogenic.

PreventionGenetics, part of Exact Sciences
Classification: Pathogenic for DHCR7-related condition. Last evaluated: 2024-09-10. Review status: no assertion criteria provided. Collection method: clinical testing. Allele origin: germline. Not counted in ClinVar's aggregate classification.
Comment: The DHCR7 c.976G>T variant is predicted to result in the amino acid substitution p.Val326Leu. This variant has been reported to be causative for autosomal recessive Smith-Lemli-Opitz syndrome (Fitzky et al. 1998. PubMed ID: 9653161; Lazarin. 2013. PubMed ID: 22975760; Schoner et al. 2020. PubMed ID: 31840946). This variant is reported in 0.0038% of alleles in individuals of European (Non-Finnish) descent in gnomAD. This variant is interpreted as pathogenic.

OMIM
Classification: Pathogenic for SMITH-LEMLI-OPITZ SYNDROME. Last evaluated: 2004-12-01. Review status: no assertion criteria provided. Collection method: literature only. Allele origin: germline. Not counted in ClinVar's aggregate classification.

GeneReviews
No classification provided. Condition: Smith-Lemli-Opitz syndrome. Review status: no classification provided. Collection method: literature only. Allele origin: unknown. Not counted in ClinVar's aggregate classification.

Literature cited by the submitters: PubMed 9653161 (cited by 5 submitters); PubMed 35305950 (cited by Victorian Clinical Genetics Services, Murdoch Childrens Research Institute); PubMed 15521979 (cited by 5 submitters); PubMed 27513191 (cited by Labcorp Genetics (formerly Invitae), Labcorp); PubMed 19390132 (cited by Natera, Inc.); PubMed 10814720 (cited by OMIM and GeneReviews); PubMed 11175299 (cited by OMIM and GeneReviews); PubMed 16207203 (cited by GeneReviews); PubMed 20301322 (cited by GeneReviews); NCBI Bookshelf NBK1143 (cited by GeneReviews).